The following is an entry in ClinVar:

ClinVar aggregate classification (germline): Likely benign. Review status: criteria provided, multiple submitters, no conflicts (2 of 4 stars). 3 submissions from 3 submitters: Likely benign (3). Last evaluated 2026-03-25.

Conditions:
Hereditary cancer-predisposing syndrome. Also called: Neoplastic Syndromes, Hereditary; Tumor predisposition; Hereditary Cancer Syndrome; Hereditary neoplastic syndrome. Identifiers: Orphanet 140162, MedGen C0027672, MeSH D009386, MONDO:0015356.
Hereditary breast ovarian cancer syndrome. Also called: Hereditary breast and ovarian cancer syndrome; Hereditary breast and ovarian cancer syndrome (HBOC); Hereditary breast and ovarian cancer; Hereditary breast and/or ovarian cancer syndrome; BRCA1- and BRCA2-Associated Hereditary Breast and Ovarian Cancer; Breast and ovarian cancer. Identifiers: Orphanet 145, MedGen C0677776, MeSH D061325, MONDO:0003582. Disease mechanism: loss of function.

Allele frequency attached by ClinVar (database versions not stated): gnomAD exomes below 0.00001.
gnomAD v4.1: 5 of 1,613,838 alleles (0.00031%); highest among the groups gnomAD compares: South Asian, 0.0033%; no homozygotes.

Submissions (3):

Ambry Genetics
Classification: Likely benign for Hereditary cancer-predisposing syndrome. Last evaluated: 2026-03-25. Review status: criteria provided, single submitter. Criteria: Ambry Variant Classification Scheme 2023. Collection method: clinical testing. Allele origin: germline.

Labcorp Genetics (formerly Invitae), Labcorp
Classification: Likely benign for Hereditary breast ovarian cancer syndrome. Last evaluated: 2021-12-05. Review status: criteria provided, single submitter. Criteria: Invitae Variant Classification Sherloc (09022015). Collection method: clinical testing. Allele origin: germline.

GeneDx
Classification: Likely benign. Last evaluated: 2020-03-10. Review status: criteria provided, single submitter. Criteria: GeneDx Variant Classification Process June 2021. Collection method: clinical testing. Allele origin: germline. Affected: yes.
Comment: This variant is associated with the following publications: (PMID: 16550498)

NM_000059.4(BRCA2):c.2337G>A (p.Leu779=)

Gene: BRCA2 (BRCA2 DNA repair associated; plus strand). Cytogenetic location: 13q13.1.
Variant type: single nucleotide variant.
Coding change: c.2337G>A on transcript NM_000059.4 (MANE Select); coding-DNA position 2337, G replaced by A.
Protein change: p.Leu779=; no amino-acid change (leucine 779 retained).
Molecular consequence: synonymous variant.
Genome position (GRCh38, 1-based): chr13:32,336,692, G>A. VCF-style: chr13-32336692-G-A. GRCh37 (hg19) VCF-style: chr13-32910829-G-A.
Identifiers: ClinVar variation 1212488 (VCV001212488.12), dbSNP rs80359784, ClinGen allele CA483437175.